The following is an entry in ClinVar:

NM_020336.4(RALGAPB):c.2206G>A (p.Asp736Asn)

Gene: RALGAPB (Ral GTPase activating protein non-catalytic subunit beta; plus strand). Cytogenetic location: 20q11.23.
Variant type: single nucleotide variant.
Coding change: c.2206G>A on transcript NM_020336.4 (MANE Select); coding-DNA position 2206, G replaced by A.
Protein change: p.Asp736Asn; replaces aspartic acid 736 with asparagine.
Molecular consequence: missense variant.
Genome position (GRCh38, 1-based): chr20:38,532,820, G>A. VCF-style: chr20-38532820-G-A. GRCh37 (hg19) VCF-style: chr20-37161463-G-A.
Other names: c.2206G>A, p.Asp736Asn (NM_001282918.2, NM_001282917.2); short protein forms D736N.
Identifiers: ClinVar variation 4150214 (VCV004150214.3).

ClinVar aggregate classification (germline): Uncertain significance. Review status: criteria provided, multiple submitters, no conflicts (2 of 4 stars). 2 submissions from 2 submitters: Uncertain significance (2). Last evaluated 2026-04-06.

gnomAD v4.1: 20 of 1,614,066 alleles (0.0012%); highest among the groups gnomAD compares: Non-Finnish European, 0.0013%; no homozygotes.

Submissions (2):

Dasa
Classification: Uncertain significance. Last evaluated: 2026-04-06. Review status: criteria provided, single submitter. Criteria: DASA Assertion Criteria. Collection method: clinical testing. Allele origin: germline.
Comment: NM_020336.4(RALGAPB):c.2206G>A (p.Asp736Asn) is a missense variant that results in the substitution of aspartic acid with asparagine. This variant is rare in population databases. The currently available literature and clinical evidence are not sufficient to establish a definitive association between this variant and the reported condition. Therefore, this variant is classified as a variant of uncertain significance.

Ambry Genetics
Classification: Uncertain significance. Last evaluated: 2025-08-26. Review status: criteria provided, single submitter. Criteria: Ambry Variant Classification Scheme 2023. Collection method: clinical testing. Allele origin: germline.